The following is an entry in ClinVar:

NM_003079.5(SMARCE1):c.808del (p.Arg272fs)

Gene: SMARCE1 (SWI/SNF related BAF chromatin remodeling complex subunit E1; minus strand). Cytogenetic location: 17q21.2.
Variant type: Deletion.
Coding change: c.808del on transcript NM_003079.5 (MANE Select); coding-DNA position 808, one base deleted (C; older notation c.808delC).
Protein change: p.Arg272fs; shifts the reading frame from arginine 272.
Molecular consequence: frameshift variant.
Genome position (GRCh38, 1-based): chr17:40,631,600, G deleted on the plus strand (C on the coding strand, the reverse complement: SMARCE1 is on the minus strand). VCF-style (leftmost placement, unchanged base first): chr17-40631599-AG-A. GRCh37 (hg19) VCF-style: chr17-38787851-AG-A.
Other names: short protein forms R272fs.
Identifiers: ClinVar variation 1428058 (VCV001428058.6), dbSNP rs2143986851, ClinGen allele CA2573153800.

ClinVar aggregate classification (germline): Pathogenic (1 of 4 stars; one submission).

Conditions:
Familial meningioma. Also called: Meningioma, familial, susceptibility to. Identifiers: Orphanet 263662, MedGen C3551915, MONDO:0011789, OMIM 607174.

Submission:

Labcorp Genetics (formerly Invitae), Labcorp
Classification: Pathogenic for Familial meningioma. Last evaluated: 2021-10-28. Review status: criteria provided, single submitter. Criteria: Invitae Variant Classification Sherloc (09022015). Collection method: clinical testing. Allele origin: germline.
Comment: This sequence change creates a premature translational stop signal (p.Arg272Glyfs*5) in the SMARCE1 gene. It is expected to result in an absent or disrupted protein product. Loss-of-function variants in SMARCE1 are known to be pathogenic (PMID: 23377182). This variant is not present in population databases (gnomAD no frequency). This premature translational stop signal has been observed in individual(s) with meningioma (PMID: 26803492). For these reasons, this variant has been classified as Pathogenic.

Literature cited by the submitters: PubMed 23377182; PubMed 26803492.